The following is an entry in ClinVar:

ClinVar aggregate classification (germline): Likely benign (1 of 4 stars; one submission).

Conditions:
ABCC12-related condition.

gnomAD v4.1: 182 of 1,614,252 alleles (0.011%); highest among the groups gnomAD compares: East Asian, 0.28%; no homozygotes.

Submission:

PreventionGenetics, part of Exact Sciences
Classification: Likely benign for ABCC12-related condition. Last evaluated: 2026-06-22. Review status: criteria provided, single submitter. Criteria: ACMG Guidelines, 2015. Collection method: clinical testing. Allele origin: germline.
Comment: This variant is classified as likely benign based on ACMG/AMP sequence variant interpretation guidelines (Richards et al. 2015 PMID: 25741868, with internal and published modifications).

NM_001393797.1(ABCC12):c.2752G>A (p.Glu918Lys)

Gene: ABCC12 (ATP binding cassette subfamily C member 12; minus strand). Cytogenetic location: 16q12.1.
Variant type: single nucleotide variant.
Coding change: c.2752G>A on transcript NM_001393797.1 (MANE Select); coding-DNA position 2752, G replaced by A.
Protein change: p.Glu918Lys; replaces glutamic acid 918 with lysine.
Molecular consequence: missense variant. On other transcripts: non-coding transcript variant (5).
Genome position (GRCh38, 1-based): chr16:48,104,290, C>T on the plus strand (G>A on the coding strand, the complement: ABCC12 is on the minus strand). VCF-style: chr16-48104290-C-T. GRCh37 (hg19) VCF-style: chr16-48138201-C-T.
Other names: c.2752G>A, p.Glu918Lys (NM_033226.3); short protein forms E918K.
Identifiers: ClinVar variation 4981097 (VCV004981097.1).
Genomic context (GRCh38, chr16:48,104,290, plus strand): 5'-CCACCATAAAAAACTGCTGCAGAAAGTTCTCTGCGTGAAACGGCAGCCTCACATCCAGCT[C>T]GTCCATATCCTTGGAAAAACGGTTCATTAGCCTGCCAGTGGGAGTCGTGTCAAAGAAACT-3'
Protein context (NP_001380726.1, residues 908-928): LMNRFSKDMD[Glu918Lys]LDVRLPFHAE